The following is an entry in ClinVar:

ClinVar aggregate classification (germline): Uncertain significance (1 of 4 stars; one submission).

Conditions:
Congenital myasthenic syndrome 4A. Also called: Myasthenic syndrome, congenital, 4a, slow-channel; MYASTHENIC SYNDROME, CONGENITAL, 4A, SLOW-CHANNEL, AUTOSOMAL RECESSIVE; CONGENITAL MYASTHENIC SYNDROME TYPE Ia1. Identifiers: Orphanet 590, MedGen C4225413, MONDO:0011600, OMIM 605809.

Submission:

Labcorp Genetics (formerly Invitae), Labcorp
Classification: Uncertain significance for Congenital myasthenic syndrome 4A. Last evaluated: 2022-06-20. Review status: criteria provided, single submitter. Criteria: Invitae Variant Classification Sherloc (09022015). Collection method: clinical testing. Allele origin: germline.
Comment: In summary, the available evidence is currently insufficient to determine the role of this variant in disease. Therefore, it has been classified as a Variant of Uncertain Significance. Advanced modeling of protein sequence and biophysical properties (such as structural, functional, and spatial information, amino acid conservation, physicochemical variation, residue mobility, and thermodynamic stability) performed at Invitae indicates that this missense variant is expected to disrupt CHRNE protein function. ClinVar contains an entry for this variant (Variation ID: 844221). This variant has not been reported in the literature in individuals affected with CHRNE-related conditions. This variant is not present in population databases (gnomAD no frequency). This sequence change replaces phenylalanine, which is neutral and non-polar, with cysteine, which is neutral and slightly polar, at codon 242 of the CHRNE protein (p.Phe242Cys).

NM_000080.4(CHRNE):c.725T>G (p.Phe242Cys)

Genes: C17orf107 (chromosome 17 open reading frame 107; plus strand), CHRNE (cholinergic receptor nicotinic epsilon subunit; minus strand). Cytogenetic location: 17p13.2.
Variant type: single nucleotide variant.
Coding change: c.725T>G on transcript NM_000080.4 (MANE Select); coding-DNA position 725, T replaced by G.
Protein change: p.Phe242Cys; replaces phenylalanine 242 with cysteine.
Molecular consequence: missense variant. On other transcripts: 3 prime UTR variant (1).
Genome position (GRCh38, 1-based): chr17:4,901,067, A>C on the plus strand (T>G on the coding strand, the complement: CHRNE is on the minus strand). VCF-style: chr17-4901067-A-C. GRCh37 (hg19) VCF-style: chr17-4804362-A-C.
Other names: c.*534A>C (NM_001145536.2); short protein forms F242C.
Identifiers: ClinVar variation 844221 (VCV000844221.9), dbSNP rs1969968160, ClinGen allele CA397304955.
Genomic context (GRCh38, chr17:4,901,067, plus strand): 5'-TAGGCGAGCAGCACCAGGCCCGAGATGAGCACACAGGGCACGATGATGTTAATGACGTAG[A>C]AGAGCGGCTTCCGGCGGATGATGAGCGAGTAGATGACGTCAGTCTCCCCTGGGCCGTCGG-3'
Protein context (NP_000071.1, residues 232-252): YSLIIRRKPL[Phe242Cys]YVINIIVPCV